The following is an entry in ClinVar:

NM_001754.5(RUNX1):c.868T>C (p.Ser290Pro)

Gene: RUNX1 (RUNX family transcription factor 1; minus strand). Cytogenetic location: 21q22.12.
Variant type: single nucleotide variant.
Coding change: c.868T>C on transcript NM_001754.5 (MANE Select); coding-DNA position 868, T replaced by C.
Protein change: p.Ser290Pro; replaces serine 290 with proline.
Molecular consequence: missense variant.
Genome position (GRCh38, 1-based): chr21:34,799,400, A>G on the plus strand (T>C on the coding strand, the complement: RUNX1 is on the minus strand). VCF-style: chr21-34799400-A-G. GRCh37 (hg19) VCF-style: chr21-36171697-A-G.
Other names: c.787T>C, p.Ser263Pro (NM_001001890.3); short protein forms S263P, S290P.
Identifiers: ClinVar variation 5028575 (VCV005028575.1).

ClinVar aggregate classification (germline): Uncertain significance (1 of 4 stars; one submission).

Conditions:
Inborn genetic diseases. Identifiers: MedGen C0950123, MeSH D030342.

gnomAD v4.1: 1 of 1,614,170 alleles (0.000062%); highest among the groups gnomAD compares: Non-Finnish European, 0.000085%; no homozygotes.

Submission:

Ambry Genetics
Classification: Uncertain significance for Inborn genetic diseases. Last evaluated: 2026-07-06. Review status: criteria provided, single submitter. Criteria: Ambry Variant Classification Scheme 2023. Collection method: clinical testing. Allele origin: germline.
Comment: The p.S290P variant (also known as c.868T>C), located in coding exon 7 of the RUNX1 gene, results from a T to C substitution at nucleotide position 868. The serine at codon 290 is replaced by proline, an amino acid with similar properties. This amino acid position is conserved. In addition, this alteration is predicted to be tolerated by in silico analysis. Based on the available evidence, the clinical significance of this variant remains unclear.